The following is an entry in ClinVar:

NM_177438.3(DICER1):c.5604-16T>G

Gene: DICER1 (dicer 1, ribonuclease III; minus strand). Cytogenetic location: 14q32.13.
Variant type: single nucleotide variant.
Coding change: c.5604-16T>G on transcript NM_177438.3 (MANE Select); 16 bases into the intron before coding-DNA position 5604, T replaced by G.
Molecular consequence: intron variant.
Genome position (GRCh38, 1-based): chr14:95,090,679, A>C on the plus strand (T>G on the coding strand, the complement: DICER1 is on the minus strand). VCF-style: chr14-95090679-A-C. GRCh37 (hg19) VCF-style: chr14-95557016-A-C.
Other names: c.5604-16T>G (NM_001291628.2, NM_030621.4, NM_001395677.1 and 7 more transcripts); c.5199-16T>G (NM_001395690.1, NM_001395687.1, NM_001395689.1 and 1 more transcripts); c.5322-16T>G (NM_001395686.1); c.5037-16T>G (NM_001395691.1); c.3921-16T>G (NM_001395697.1); c.5441-16T>G (NM_001195573.1).
Identifiers: ClinVar variation 2830617 (VCV002830617.3), dbSNP rs2542392785, ClinGen allele CA2739278088.

ClinVar aggregate classification (germline): Uncertain significance (1 of 4 stars; one submission).

Conditions:
DICER1-related tumor predisposition. Also called: DICER1-related pleuropulmonary blastoma cancer predisposition syndrome; DICER1 syndrome. Identifiers: Orphanet 284343, MedGen C3839822, MONDO:0100216.

Submission:

Labcorp Genetics (formerly Invitae), Labcorp
Classification: Uncertain significance for DICER1-related tumor predisposition. Last evaluated: 2023-01-20. Review status: criteria provided, single submitter. Criteria: Invitae Variant Classification Sherloc (09022015). Collection method: clinical testing. Allele origin: germline.
Comment: In summary, the available evidence is currently insufficient to determine the role of this variant in disease. Therefore, it has been classified as a Variant of Uncertain Significance. Algorithms developed to predict the effect of sequence changes on RNA splicing suggest that this variant may disrupt the consensus splice site. This variant has not been reported in the literature in individuals affected with DICER1-related conditions. This variant is not present in population databases (gnomAD no frequency). This sequence change falls in intron 26 of the DICER1 gene. It does not directly change the encoded amino acid sequence of the DICER1 protein.